The following is an entry in ClinVar:

ClinVar aggregate classification (germline): Conflicting classifications of pathogenicity. Review status: criteria provided, conflicting classifications (1 of 4 stars). 3 submissions from 3 submitters: Uncertain significance (1); Likely benign (1). 1 of the submissions does not count toward it. Last evaluated 2025-10-25.

Conditions:
Neutral lipid storage myopathy (NLSDM). Also called: NEUTRAL LIPID STORAGE DISEASE WITHOUT ICHTHYOSIS. Identifiers: Orphanet 98908, MedGen C1853136, MONDO:0012545, OMIM 610717.
PNPLA2-related disorder. Also called: PNPLA2-related condition.

Allele frequency attached by ClinVar (database versions not stated): ExAC below 0.00001; TOPMed 0.00006.
gnomAD v4.1: 94 of 1,443,928 alleles (0.0065%); highest among the groups gnomAD compares: Admixed American, 0.042%; no homozygotes.

Submissions (3):

Labcorp Genetics (formerly Invitae), Labcorp
Classification: Likely benign for Neutral lipid storage myopathy. Last evaluated: 2025-10-25. Review status: criteria provided, single submitter. Criteria: Invitae Variant Classification Sherloc (09022015). Collection method: clinical testing. Allele origin: germline.

Illumina Laboratory Services, Illumina
Classification: Uncertain significance for Neutral lipid storage myopathy. Last evaluated: 2018-01-12. Review status: criteria provided, single submitter. Criteria: ICSL Variant Classification Criteria 13 December 2019. Collection method: clinical testing. Allele origin: germline.

PreventionGenetics, part of Exact Sciences
Classification: Likely benign for PNPLA2-related condition. Last evaluated: 2019-04-16. Review status: no assertion criteria provided. Collection method: clinical testing. Allele origin: germline. Not counted in ClinVar's aggregate classification.
Comment: This variant is classified as likely benign based on ACMG/AMP sequence variant interpretation guidelines (Richards et al. 2015 PMID: 25741868, with internal and published modifications).

NM_020376.4(PNPLA2):c.165G>T (p.Ala55=)

Genes: PNPLA2 (patatin like domain 2, triacylglycerol lipase; plus strand), LOC130005097 (ATAC-STARR-seq lymphoblastoid silent region 3036; plus strand). Cytogenetic location: 11p15.5.
Variant type: single nucleotide variant.
Coding change: c.165G>T on transcript NM_020376.4 (MANE Select); coding-DNA position 165, G replaced by T.
Protein change: p.Ala55=; no amino-acid change (alanine 55 retained).
Molecular consequence: synonymous variant.
Genome position (GRCh38, 1-based): chr11:819,883, G>T. VCF-style: chr11-819883-G-T. GRCh37 (hg19) VCF-style: chr11-819883-G-T.
Identifiers: ClinVar variation 710527 (VCV000710527.16), dbSNP rs761885395, ClinGen allele CA5790908.